The following is an entry in ClinVar:

NM_000023.4(SGCA):c.158-2A>G

Gene: SGCA (sarcoglycan alpha; plus strand). Cytogenetic location: 17q21.33.
Variant type: single nucleotide variant.
Coding change: c.158-2A>G on transcript NM_000023.4 (MANE Select); the canonical splice acceptor site of the intron before coding-DNA position 158, A replaced by G.
Molecular consequence: splice acceptor variant.
Genome position (GRCh38, 1-based): chr17:50,167,580, A>G. VCF-style: chr17-50167580-A-G. GRCh37 (hg19) VCF-style: chr17-48244941-A-G.
Other names: c.158-2A>G (NM_001135697.3).
Identifiers: ClinVar variation 370189 (VCV000370189.9), dbSNP rs1057516300, ClinGen allele CA16041847.

ClinVar aggregate classification (germline): Likely pathogenic. Review status: criteria provided, multiple submitters, no conflicts (2 of 4 stars). 3 submissions from 3 submitters: Likely pathogenic (2). 1 of the submissions does not count toward it. Last evaluated 2024-05-13.

Conditions:
Autosomal recessive limb-girdle muscular dystrophy type 2D (LGMDR3). Also called: ADHALINOPATHY, PRIMARY; DUCHENNE-LIKE AUTOSOMAL RECESSIVE MUSCULAR DYSTROPHY, TYPE 2; MUSCULAR DYSTROPHY, LIMB-GIRDLE, AUTOSOMAL RECESSIVE 3. Identifiers: Orphanet 62, MedGen C2936332, MONDO:0011968, OMIM 608099. Disease mechanism: Affects gamma-sarcoglycan and also disrupts the integrity of the entire sarcoglycan complex..

Submissions (3):

Labcorp Genetics (formerly Invitae), Labcorp
Classification: Likely pathogenic for Autosomal recessive limb-girdle muscular dystrophy type 2D. Last evaluated: 2024-05-13. Review status: criteria provided, single submitter. Criteria: Invitae Variant Classification Sherloc (09022015). Collection method: clinical testing. Allele origin: germline.
Comment: This sequence change affects an acceptor splice site in intron 2 of the SGCA gene. It is expected to disrupt RNA splicing. Variants that disrupt the donor or acceptor splice site typically lead to a loss of protein function (PMID: 16199547), and loss-of-function variants in SGCA are known to be pathogenic (PMID: 9192266). This variant is not present in population databases (gnomAD no frequency). This variant has not been reported in the literature in individuals affected with SGCA-related conditions. ClinVar contains an entry for this variant (Variation ID: 370189). Algorithms developed to predict the effect of sequence changes on RNA splicing suggest that this variant may disrupt the consensus splice site. In summary, the currently available evidence indicates that the variant is pathogenic, but additional data are needed to prove that conclusively. Therefore, this variant has been classified as Likely Pathogenic.

Revvity Omics, Revvity
Classification: Likely pathogenic for Autosomal recessive limb-girdle muscular dystrophy type 2D. Last evaluated: 2019-01-11. Review status: criteria provided, single submitter. Criteria: ACMG Guidelines, 2015. Collection method: clinical testing. Allele origin: germline.

Counsyl
Classification: Likely pathogenic for Autosomal recessive limb-girdle muscular dystrophy type 2D. Last evaluated: 2015-12-11. Review status: no assertion criteria provided. Collection method: clinical testing. Allele origin: unknown. Not counted in ClinVar's aggregate classification.

Literature cited by the submitters: PubMed 16199547 (cited by Labcorp Genetics (formerly Invitae), Labcorp); PubMed 9192266 (cited by Labcorp Genetics (formerly Invitae), Labcorp).